The following is an entry in ClinVar:

ClinVar aggregate classification (germline): Uncertain significance. Review status: criteria provided, multiple submitters, no conflicts (2 of 4 stars). 3 submissions from 2 submitters: Uncertain significance (3). Last evaluated 2026-04-01.

Conditions:
Lethal Kniest-like syndrome (DDSH). Also called: Dyssegmental Dysplasia. Identifiers: Orphanet 1865, MedGen C1857100, MONDO:0009140, OMIM 224410.
Schwartz-Jampel syndrome. Also called: Myotonic myopathy dwarfism chondrodystrophy and ocular and facial abnormalities. Identifiers: Orphanet 800, MedGen C0036391, MONDO:0009717.

Allele frequency attached by ClinVar (database versions not stated): gnomAD exomes below 0.00001 and 0.00001; ExAC 0.00002; TOPMed 0.00002.

Submissions (3):

CeGaT Center for Human Genetics Tuebingen
Classification: Uncertain significance. Last evaluated: 2026-04-01. Review status: criteria provided, single submitter. Criteria: CeGaT Center For Human Genetics Tuebingen Variant Classification Criteria Version 2. Collection method: clinical testing. Allele origin: germline. Affected: yes. Observed: 1 variant allele.
Comment: HSPG2: PM2, BP4

Illumina Laboratory Services, Illumina
Classification: Uncertain significance for Schwartz-Jampel syndrome type 1. Last evaluated: 2018-01-13. Review status: criteria provided, single submitter. Criteria: ICSL Variant Classification Criteria 13 December 2019. Collection method: clinical testing. Allele origin: germline.

Illumina Laboratory Services, Illumina
Classification: Uncertain significance for Lethal Kniest-like syndrome. Last evaluated: 2018-01-13. Review status: criteria provided, single submitter. Criteria: ICSL Variant Classification Criteria 13 December 2019. Collection method: clinical testing. Allele origin: germline.

NM_005529.7(HSPG2):c.1609C>T (p.Arg537Trp)

Gene: HSPG2 (heparan sulfate proteoglycan 2; minus strand). Cytogenetic location: 1p36.12.
Variant type: single nucleotide variant.
Coding change: c.1609C>T on transcript NM_005529.7 (MANE Select); coding-DNA position 1609, C replaced by T.
Protein change: p.Arg537Trp; replaces arginine 537 with tryptophan.
Molecular consequence: missense variant.
Genome position (GRCh38, 1-based): chr1:21,884,573, G>A on the plus strand (C>T on the coding strand, the complement: HSPG2 is on the minus strand). VCF-style: chr1-21884573-G-A. GRCh37 (hg19) VCF-style: chr1-22211066-G-A.
Other names: c.1612C>T, p.Arg538Trp (NM_001291860.2); short protein forms R537W, R538W.
Identifiers: ClinVar variation 876804 (VCV000876804.6), dbSNP rs777781736, ClinGen allele CA673371.